The following is an entry in ClinVar:

NM_012418.4(FSCN2):c.308G>A (p.Arg103Gln)

Gene: FSCN2 (fascin actin-bundling protein 2, retinal; plus strand). Cytogenetic location: 17q25.3.
Variant type: single nucleotide variant.
Coding change: c.308G>A on transcript NM_012418.4 (MANE Select); coding-DNA position 308, G replaced by A.
Protein change: p.Arg103Gln; replaces arginine 103 with glutamine.
Molecular consequence: missense variant.
Genome position (GRCh38, 1-based): chr17:81,528,839, G>A. VCF-style: chr17-81528839-G-A. GRCh37 (hg19) VCF-style: chr17-79495865-G-A.
Other names: c.308G>A, p.Arg103Gln (NM_001077182.3); c.308G>A (NM_001077182.2); short protein forms R103Q.
Identifiers: ClinVar variation 1930345 (VCV001930345.6), dbSNP rs782741672, ClinGen allele CA8836639.

ClinVar aggregate classification (germline): Conflicting classifications of pathogenicity. Review status: criteria provided, conflicting classifications (1 of 4 stars). 2 submissions from 2 submitters: Uncertain significance (1); Likely benign (1). Last evaluated 2025-08-06.

Allele frequency attached by ClinVar (database versions not stated): ExAC 0.00006.
gnomAD v4.1: 16 of 1,554,868 alleles (0.001%); highest among the groups gnomAD compares: South Asian, 0.0071%; no homozygotes.

Submissions (2):

Ambry Genetics
Classification: Likely benign. Last evaluated: 2025-08-06. Review status: criteria provided, single submitter. Criteria: Ambry Variant Classification Scheme 2023. Collection method: clinical testing. Allele origin: germline.

Labcorp Genetics (formerly Invitae), Labcorp
Classification: Uncertain significance. Last evaluated: 2022-11-29. Review status: criteria provided, single submitter. Criteria: Invitae Variant Classification Sherloc (09022015). Collection method: clinical testing. Allele origin: germline.
Comment: This sequence change replaces arginine, which is basic and polar, with glutamine, which is neutral and polar, at codon 103 of the FSCN2 protein (p.Arg103Gln). The frequency data for this variant in the population databases is considered unreliable, as metrics indicate poor data quality at this position in the gnomAD database. This variant has not been reported in the literature in individuals affected with FSCN2-related conditions. Algorithms developed to predict the effect of missense changes on protein structure and function output the following: SIFT: "Tolerated"; PolyPhen-2: "Benign"; Align-GVGD: "Class C0". The glutamine amino acid residue is found in multiple mammalian species, which suggests that this missense change does not adversely affect protein function. In summary, the available evidence is currently insufficient to determine the role of this variant in disease. Therefore, it has been classified as a Variant of Uncertain Significance.